The following is an entry in ClinVar:

ClinVar aggregate classification (germline): Likely benign (1 of 4 stars; one submission).

Allele frequency attached by ClinVar (database versions not stated): ESP Exome Variant Server 0.00322; 1000 Genomes Project 0.00379; 1000 Genomes Project 30x 0.00406.
gnomAD v4.1: 890 of 1,611,804 alleles (0.055%); highest among the groups gnomAD compares: African/African-American, 0.98%; 9 homozygotes.

Submission:

CeGaT Center for Human Genetics Tuebingen
Classification: Likely benign. Last evaluated: 2022-04-01. Review status: criteria provided, single submitter. Criteria: CeGaT Center For Human Genetics Tuebingen Variant Classification Criteria Version 2. Collection method: clinical testing. Allele origin: germline. Affected: yes. Observed: 1 variant allele.
Comment: CD177: BP4, BP7

NM_020406.4(CD177):c.699G>T (p.Ser233=)

Gene: CD177 (CD177 molecule; plus strand). Cytogenetic location: 19q13.31.
Variant type: single nucleotide variant.
Coding change: c.699G>T on transcript NM_020406.4 (MANE Select); coding-DNA position 699, G replaced by T.
Protein change: p.Ser233=; no amino-acid change (serine 233 retained).
Molecular consequence: synonymous variant.
Genome position (GRCh38, 1-based): chr19:43,360,344, G>T. VCF-style: chr19-43360344-G-T. GRCh37 (hg19) VCF-style: chr19-43864496-G-T.
Identifiers: ClinVar variation 2650061 (VCV002650061.24), dbSNP rs115729962, ClinGen allele CA9486008.